The following is an entry in ClinVar:

ClinVar aggregate classification (germline): Pathogenic/Likely pathogenic. Review status: criteria provided, multiple submitters, no conflicts (2 of 4 stars). 5 submissions from 5 submitters: Pathogenic (2); Likely pathogenic (2). 1 of the submissions does not count toward it. Last evaluated 2025-11-04.

Conditions:
Mucopolysaccharidosis type 6 (MPS6). Also called: MPS VI; N-ACETYLGALACTOSAMINE-4-SULFATASE DEFICIENCY; ARSB DEFICIENCY; ARYLSULFATASE B DEFICIENCY; MPS 6; Maroteaux Lamy syndrome. Identifiers: Orphanet 583, MedGen C0026709, MONDO:0009661, OMIM 253200.

Allele frequency attached by ClinVar (database versions not stated): gnomAD 0.00001; gnomAD exomes 0.00001; ExAC 0.00002; TOPMed 0.00003.

Submissions (5):

Labcorp Genetics (formerly Invitae), Labcorp
Classification: Pathogenic for Mucopolysaccharidosis type 6. Last evaluated: 2025-11-04. Review status: criteria provided, single submitter. Criteria: Invitae Variant Classification Sherloc (09022015). Collection method: clinical testing. Allele origin: germline.
Comment: This sequence change replaces glycine, which is neutral and non-polar, with arginine, which is basic and polar, at codon 144 of the ARSB protein (p.Gly144Arg). This variant is present in population databases (rs746206847, gnomAD 0.004%). This missense change has been observed in individual(s) with mucopolysaccharidosis type VI (PMID: 8116615, 16435196, 26909334, 30982216). ClinVar contains an entry for this variant (Variation ID: 559783). Invitae Evidence Modeling of protein sequence and biophysical properties (such as structural, functional, and spatial information, amino acid conservation, physicochemical variation, residue mobility, and thermodynamic stability) indicates that this missense variant is expected to disrupt ARSB protein function with a positive predictive value of 95%. Experimental studies have shown that this missense change affects ARSB function (PMID: 8116615). For these reasons, this variant has been classified as Pathogenic.

Revvity Omics, Revvity
Classification: Pathogenic for Mucopolysaccharidosis type 6. Last evaluated: 2024-01-25. Review status: criteria provided, single submitter. Criteria: ACMG Guidelines, 2015. Collection method: clinical testing. Allele origin: germline.

Genome-Nilou Lab
Classification: Likely pathogenic for Mucopolysaccharidosis type 6. Last evaluated: 2021-07-22. Review status: criteria provided, single submitter. Criteria: ACMG Guidelines, 2015. Collection method: clinical testing. Allele origin: germline. Affected: no.

Laboratory of Diagnosis and Therapy of Lysosomal Disorders, University of Padova
Classification: Likely pathogenic for Mucopolysaccharidosis type 6. Last evaluated: 2018-01-01. Review status: criteria provided, single submitter. Criteria: ACMG Guidelines, 2015. Collection method: curation. Allele origin: germline. Affected: yes.
Comment: In vitro functional studies supportive of a damaging effect on the gene product (low to no ARSB activity in homozygotes; PS3); Very low frequency in ExAC (PM2)

Natera, Inc.
Classification: Pathogenic for Mucopolysaccharidosis type VI. Last evaluated: 2020-09-04. Review status: no assertion criteria provided. Collection method: clinical testing. Allele origin: germline. Not counted in ClinVar's aggregate classification.

Literature cited by the submitters: PubMed 8116615 (cited by Labcorp Genetics (formerly Invitae), Labcorp and Laboratory of Diagnosis and Therapy of Lysosomal Disorders, University of Padova); PubMed 16435196 (cited by Labcorp Genetics (formerly Invitae), Labcorp and Laboratory of Diagnosis and Therapy of Lysosomal Disorders, University of Padova); PubMed 26909334 (cited by Labcorp Genetics (formerly Invitae), Labcorp and Laboratory of Diagnosis and Therapy of Lysosomal Disorders, University of Padova); PubMed 30982216 (cited by Labcorp Genetics (formerly Invitae), Labcorp); PubMed 17458871 (cited by Laboratory of Diagnosis and Therapy of Lysosomal Disorders, University of Padova); PubMed 24875751 (cited by Laboratory of Diagnosis and Therapy of Lysosomal Disorders, University of Padova); PubMed 30118150 (cited by Laboratory of Diagnosis and Therapy of Lysosomal Disorders, University of Padova).

NM_000046.5(ARSB):c.430G>A (p.Gly144Arg)

Gene: ARSB (arylsulfatase B; minus strand). Cytogenetic location: 5q14.1.
Variant type: single nucleotide variant.
Coding change: c.430G>A on transcript NM_000046.5 (MANE Select); coding-DNA position 430, G replaced by A.
Protein change: p.Gly144Arg; replaces glycine 144 with arginine.
Molecular consequence: missense variant.
Genome position (GRCh38, 1-based): chr5:78,969,075, C>T on the plus strand (G>A on the coding strand, the complement: ARSB is on the minus strand). VCF-style: chr5-78969075-C-T. GRCh37 (hg19) VCF-style: chr5-78264898-C-T.
Other names: c.430G>A, p.Gly144Arg (NM_198709.3); short protein forms G144R.
Identifiers: ClinVar variation 559783 (VCV000559783.20), dbSNP rs746206847, ClinGen allele CA3318267.
Genomic context (GRCh38, chr5:78,969,075, plus strand): 5'-TATCAAATCCTCGGCGGGTTGGAAGGCATTCTTTCCGGTACATTCCCAGGTGCCATTTTC[C>T]GACCATATGGGTAGTATAACCTGCTTCTTTTAGGAGCTGGGGCAGGAGTTTTTCATCCAG-3'
Protein context (NP_000037.2, residues 134-154): KEAGYTTHMV[Gly144Arg]KWHLGMYRKE